The following is an entry in ClinVar:

ClinVar aggregate classification (germline): Uncertain significance. Review status: criteria provided, multiple submitters, no conflicts (2 of 4 stars). 2 submissions from 2 submitters: Uncertain significance (2). Last evaluated 2024-02-24.

Conditions:
Inborn genetic diseases. Identifiers: MedGen C0950123, MeSH D030342.
Dyskeratosis congenita. Identifiers: Orphanet 1775, MedGen C0265965, MONDO:0015780.

Allele frequency attached by ClinVar (database versions not stated): gnomAD exomes below 0.00001; TOPMed 0.00002; gnomAD 0.00003; ESP Exome Variant Server 0.00008.
gnomAD v4.1: 11 of 1,613,526 alleles (0.00068%); highest among the groups gnomAD compares: African/African-American, 0.013%; no homozygotes.

Submissions (2):

Labcorp Genetics (formerly Invitae), Labcorp
Classification: Uncertain significance for Dyskeratosis congenita. Last evaluated: 2024-02-24. Review status: criteria provided, single submitter. Criteria: Invitae Variant Classification Sherloc (09022015). Collection method: clinical testing. Allele origin: germline.
Comment: This sequence change replaces alanine, which is neutral and non-polar, with threonine, which is neutral and polar, at codon 924 of the CTC1 protein (p.Ala924Thr). This variant is present in population databases (rs376358881, gnomAD 0.01%). This variant has not been reported in the literature in individuals affected with CTC1-related conditions. ClinVar contains an entry for this variant (Variation ID: 566947). Advanced modeling of protein sequence and biophysical properties (such as structural, functional, and spatial information, amino acid conservation, physicochemical variation, residue mobility, and thermodynamic stability) performed at Invitae indicates that this missense variant is not expected to disrupt CTC1 protein function with a negative predictive value of 80%. In summary, the available evidence is currently insufficient to determine the role of this variant in disease. Therefore, it has been classified as a Variant of Uncertain Significance.

Ambry Genetics
Classification: Uncertain significance for Inborn genetic diseases. Last evaluated: 2023-05-31. Review status: criteria provided, single submitter. Criteria: Ambry Variant Classification Scheme 2023. Collection method: clinical testing. Allele origin: germline.

NM_025099.6(CTC1):c.2770G>A (p.Ala924Thr)

Gene: CTC1 (CST telomere replication complex component 1; minus strand). Cytogenetic location: 17p13.1.
Variant type: single nucleotide variant.
Coding change: c.2770G>A on transcript NM_025099.6 (MANE Select); coding-DNA position 2770, G replaced by A.
Protein change: p.Ala924Thr; replaces alanine 924 with threonine.
Molecular consequence: missense variant. On other transcripts: non-coding transcript variant (1).
Genome position (GRCh38, 1-based): chr17:8,230,457, C>T on the plus strand (G>A on the coding strand, the complement: CTC1 is on the minus strand). VCF-style: chr17-8230457-C-T. GRCh37 (hg19) VCF-style: chr17-8133775-C-T.
Other names: short protein forms A924T.
Identifiers: ClinVar variation 566947 (VCV000566947.9), dbSNP rs376358881, ClinGen allele CA287531263.